The following is an entry in ClinVar:

ClinVar aggregate classification (germline): Conflicting classifications of pathogenicity. Review status: criteria provided, conflicting classifications (1 of 4 stars). 6 submissions from 6 submitters: Likely pathogenic (2); Uncertain significance (3). 1 of the submissions does not count toward it. Last evaluated 2025-05-14.

Conditions:
Neuronal ceroid lipofuscinosis. Also called: Neuronal Ceroid Lipofuscinoses. Identifiers: Orphanet 216, Orphanet 79263, MedGen C0027877, MONDO:0016295. Disease mechanism: loss of function.
Neuronal ceroid lipofuscinosis 5 (CLN5). Also called: CEROID LIPOFUSCINOSIS, NEURONAL, 5, VARIABLE AGE AT ONSET; Neuronal ceroid lipofuscinosis Finnish variant; NEURONAL CEROID LIPOFUSCINOSIS, LATE INFANTILE, FINNISH VARIANT; CLN5-Related Neuronal Ceroid-Lipofuscinosis. Identifiers: Orphanet 168491, Orphanet 228360, MedGen C1850442, MONDO:0009745, OMIM 256731.

Allele frequency attached by ClinVar (database versions not stated): gnomAD exomes below 0.00001.

Submissions (6):

Women's Health and Genetics/Laboratory Corporation of America, LabCorp
Classification: Likely pathogenic for Neuronal ceroid lipofuscinosis. Last evaluated: 2025-05-14. Review status: criteria provided, single submitter. Criteria: LabCorp Variant Classification Summary - May 2015. Collection method: clinical testing. Allele origin: germline.
Comment: Variant summary: CLN5 c.466C>T (p.Pro156Ser) results in a non-conservative amino acid change in the encoded protein sequence. Algorithms developed to predict the effect of missense changes on protein structure and function all suggest that this variant is likely to be disruptive. The variant was absent in 251486 control chromosomes. c.466C>T has been observed in individual(s) affected with Neuronal Ceroid-Lipofuscinosis (Batten Disease) (Al-Kowari_2011). These data indicate that the variant is likely to be associated with disease. To our knowledge, no experimental evidence demonstrating an impact on protein function has been reported. The following publication have been ascertained in the context of this evaluation (PMID: 21447811). ClinVar contains an entry for this variant (Variation ID: 56541). Based on the evidence outlined above, the variant was classified as likely pathogenic.

Genomic Medicine Center of Excellence, King Faisal Specialist Hospital and Research Centre
Classification: Uncertain significance for Neuronal ceroid lipofuscinosis 5. Last evaluated: 2024-03-29. Review status: criteria provided, single submitter. Criteria: ACMG Guidelines, 2015. Collection method: clinical testing. Allele origin: germline.

Labcorp Genetics (formerly Invitae), Labcorp
Classification: Uncertain significance for Neuronal ceroid lipofuscinosis. Last evaluated: 2024-02-24. Review status: criteria provided, single submitter. Criteria: Invitae Variant Classification Sherloc (09022015). Collection method: clinical testing. Allele origin: germline.
Comment: This sequence change replaces proline, which is neutral and non-polar, with serine, which is neutral and polar, at codon 205 of the CLN5 protein (p.Pro205Ser). This variant is not present in population databases (gnomAD no frequency). This missense change has been observed in individual(s) with neuronal ceroid lipofuscinosis (PMID: 21447811, 21990111). It has also been observed to segregate with disease in related individuals. ClinVar contains an entry for this variant (Variation ID: 56541). Advanced modeling of protein sequence and biophysical properties (such as structural, functional, and spatial information, amino acid conservation, physicochemical variation, residue mobility, and thermodynamic stability) performed at Invitae indicates that this missense variant is expected to disrupt CLN5 protein function with a positive predictive value of 80%. In summary, the available evidence is currently insufficient to determine the role of this variant in disease. Therefore, it has been classified as a Variant of Uncertain Significance.

Revvity Omics, Revvity
Classification: Uncertain significance for Neuronal ceroid lipofuscinosis 5. Last evaluated: 2022-06-29. Review status: criteria provided, single submitter. Criteria: ACMG Guidelines, 2015. Collection method: clinical testing. Allele origin: germline.

Genetic Services Laboratory, University of Chicago
Classification: Likely pathogenic for Ceroid lipofuscinosis, neuronal, 5. Last evaluated: 2015-08-10. Review status: criteria provided, single submitter. Criteria: ACMG Guidelines, 2015. Collection method: clinical testing. Allele origin: germline. Affected: yes.

Juha Muilu Group; Institute for Molecular Medicine Finland (FIMM)
Classification: Likely pathogenic for Ceroid lipofuscinosis neuronal 5. Review status: no assertion criteria provided. Collection method: not provided. Allele origin: unknown. Not counted in ClinVar's aggregate classification.
Comment: FinDis database variant: This variant was not found or characterized by our laboratory, data were collected from public sources: see reference
ClinVar note: Converted during submission from probable-pathogenic to Likely pathogenic.

Literature cited by the submitters: PubMed 21447811 (cited by Women's Health and Genetics/Laboratory Corporation of America, LabCorp and Labcorp Genetics (formerly Invitae), Labcorp); PubMed 21990111 (cited by Labcorp Genetics (formerly Invitae), Labcorp).

NM_006493.4(CLN5):c.466C>T (p.Pro156Ser)

Gene: CLN5 (CLN5 lysosomal BMP synthase; plus strand). Cytogenetic location: 13q22.3.
Variant type: single nucleotide variant.
Coding change: c.466C>T on transcript NM_006493.4 (MANE Select); coding-DNA position 466, C replaced by T.
Protein change: p.Pro156Ser; replaces proline 156 with serine.
Molecular consequence: missense variant.
Genome position (GRCh38, 1-based): chr13:76,996,028, C>T. VCF-style: chr13-76996028-C-T. GRCh37 (hg19) VCF-style: chr13-77570163-C-T.
Other names: c.466C>T, p.Pro156Ser (NM_001366624.2); c.613C>T (LRG_692t1); short protein forms P156S.
Identifiers: ClinVar variation 56541 (VCV000056541.17), dbSNP rs386833977, ClinGen allele CA263904.